The following is an entry in ClinVar:

ClinVar aggregate classification (germline): Likely pathogenic (1 of 4 stars; one submission).

Conditions:
Autosomal recessive congenital ichthyosis 1 (LI1). Also called: LAMELLAR EXFOLIATION OF NEWBORN; COLLODION FETUS; DESQUAMATION OF NEWBORN; ICHTHYOSIS CONGENITA; ICHTHYOSIS CONGENITA II; ICHTHYOSIS, CONGENITAL, AUTOSOMAL RECESSIVE 1, WITH BATHING SUIT DISTRIBUTION. Identifiers: MedGen C4551630, MONDO:0009441, OMIM 242300.

Submission:

Myriad Genetics, Inc.
Classification: Likely pathogenic for Autosomal recessive congenital ichthyosis 1. Last evaluated: 2022-05-25. Review status: criteria provided, single submitter. Criteria: Myriad Women's Health Autosomal Recessive and X-Linked Classification Criteria (2021). Collection method: clinical testing. Allele origin: unknown.
Comment: NM_000359.2(TGM1):c.1090_1091delAG(S364Lfs*66) is expected to be pathogenic in the context of TGM1-related autosomal recessive congenital ichthyosis. This variant is predicted to lead to an abnormal or absent protein product due to the creation of a premature termination codon in TGM1, a gene where loss-of-function variants are known to be pathogenic. Please note: this variant was assessed in the context of healthy population screening.

NM_000359.3(TGM1):c.1090_1091del (p.Ser364fs)

Gene: TGM1 (transglutaminase 1; minus strand). Cytogenetic location: 14q12.
Variant type: Deletion.
Coding change: c.1090_1091del on transcript NM_000359.3 (MANE Select); coding-DNA positions 1090 to 1091, 2 bases deleted (AG; older notation c.1090_1091delAG).
Protein change: p.Ser364fs; shifts the reading frame from serine 364.
Molecular consequence: frameshift variant.
Genome position (GRCh38, 1-based): chr14:24,259,143-24,259,144, CT deleted on the plus strand (AG on the coding strand, the reverse complement: TGM1 is on the minus strand). VCF-style (leftmost placement, unchanged base first): chr14-24259142-GCT-G. GRCh37 (hg19) VCF-style: chr14-24728348-GCT-G.
Other names: short protein forms S364fs.
Identifiers: ClinVar variation 1726211 (VCV001726211.2), dbSNP rs2502501739, ClinGen allele CA2580087979.